The following is an entry in ClinVar:

NM_004057.3(S100G):c.135+8G>A

Genes: CTPS2 (CTP synthase 2; minus strand), S100G (S100 calcium binding protein G; plus strand). Cytogenetic location: Xp22.2.
Variant type: single nucleotide variant.
Coding change: c.135+8G>A on transcript NM_004057.3 (MANE Select); 8 bases into the intron after coding-DNA position 135, G replaced by A.
Molecular consequence: intron variant.
Genome position (GRCh38, 1-based): chrX:16,651,149, G>A. VCF-style: chrX-16651149-G-A. GRCh37 (hg19) VCF-style: chrX-16669272-G-A.
Other names: c.1297-11906C>T (NM_019857.5, NM_175859.3, NM_001144002.2).
Identifiers: ClinVar variation 2660066 (VCV002660066.24), dbSNP rs754087032, ClinGen allele CA10356906.

ClinVar aggregate classification (germline): Likely benign (1 of 4 stars; one submission).

Allele frequency attached by ClinVar (database versions not stated): TOPMed 0.00002; gnomAD 0.00006; gnomAD exomes 0.00020; ExAC 0.00037; 1000 Genomes Project 30x 0.00062; 1000 Genomes Project 0.00079.
gnomAD v4.1: 177 of 951,573 alleles (0.019%); highest among the groups gnomAD compares: South Asian, 0.33%; no homozygotes.

Submission:

CeGaT Center for Human Genetics Tuebingen
Classification: Likely benign. Last evaluated: 2022-12-01. Review status: criteria provided, single submitter. Criteria: CeGaT Center For Human Genetics Tuebingen Variant Classification Criteria Version 2. Collection method: clinical testing. Allele origin: germline. Affected: yes. Observed: 1 variant allele.
Comment: CTPS2: BS2; S100G: BP4, BS2